The following is an entry in ClinVar:

ClinVar aggregate classification (germline): Uncertain significance (1 of 4 stars; one submission).

Allele frequency attached by ClinVar (database versions not stated): TOPMed below 0.00001.

Submission:

Labcorp Genetics (formerly Invitae), Labcorp
Classification: Uncertain significance. Last evaluated: 2026-01-24. Review status: criteria provided, single submitter. Criteria: Invitae Variant Classification Sherloc (09022015). Collection method: clinical testing. Allele origin: germline.
Comment: This sequence change replaces alanine, which is neutral and non-polar, with threonine, which is neutral and polar, at codon 178 of the CEP97 protein (p.Ala178Thr). This variant is not present in population databases (gnomAD no frequency). This variant has not been reported in the literature in individuals affected with CEP97-related conditions. ClinVar contains an entry for this variant (Variation ID: 1908189). Invitae Evidence Modeling of protein sequence and biophysical properties (such as structural, functional, and spatial information, amino acid conservation, physicochemical variation, residue mobility, and thermodynamic stability) indicates that this missense variant is expected to disrupt CEP97 protein function with a positive predictive value of 80%. In summary, the available evidence is currently insufficient to determine the role of this variant in disease. Therefore, it has been classified as a Variant of Uncertain Significance.

NM_024548.4(CEP97):c.532G>A (p.Ala178Thr)

Gene: CEP97 (centrosomal protein 97; plus strand). Cytogenetic location: 3q12.3.
Variant type: single nucleotide variant.
Coding change: c.532G>A on transcript NM_024548.4 (MANE Select); coding-DNA position 532, G replaced by A.
Protein change: p.Ala178Thr; replaces alanine 178 with threonine.
Molecular consequence: missense variant.
Genome position (GRCh38, 1-based): chr3:101,731,924, G>A. VCF-style: chr3-101731924-G-A. GRCh37 (hg19) VCF-style: chr3-101450768-G-A.
Other names: c.532G>A, p.Ala178Thr (NM_001303401.2); c.430G>A, p.Ala144Thr (NM_001410784.1, NM_001410785.1); short protein forms A144T, A178T.
Identifiers: ClinVar variation 1908189 (VCV001908189.5), dbSNP rs914451601, ClinGen allele CA79787228.